The following is an entry in ClinVar:

NM_003998.4(NFKB1):c.1496-372A>G

Gene: NFKB1 (nuclear factor kappa B subunit 1; plus strand). Cytogenetic location: 4q24.
Variant type: single nucleotide variant.
Coding change: c.1496-372A>G on transcript NM_003998.4 (MANE Select); 372 bases into the intron before coding-DNA position 1496, A replaced by G.
Molecular consequence: intron variant.
Genome position (GRCh38, 1-based): chr4:102,597,148, A>G. VCF-style: chr4-102597148-A-G. GRCh37 (hg19) VCF-style: chr4-103518305-A-G.
Other names: c.1496-372A>G (NM_001382626.1, NM_001382625.1); c.1493-372A>G (NM_001382627.1, NM_001165412.2, NM_001319226.2); c.1454-372A>G (NM_001382628.1).
Identifiers: ClinVar variation 1244688 (VCV001244688.2), dbSNP rs4648068, ClinGen allele CA11757314.
Genomic context (GRCh38, chr4:102,597,148, plus strand): 5'-TATGGCAGAGATGTGTGTTTTTTCACACATTGCCTAACAAGCTAATTGTTAGAGATTCCA[A>G]TGAAGGATTATTTCACCAAGATATTGGTGATTTAAAATCATGGTAAAATCTAACATTGTT-3'

ClinVar aggregate classification (germline): Benign (1 of 4 stars; one submission).

Allele frequency attached by ClinVar (database versions not stated): gnomAD 0.31031 and 0.31205; TOPMed 0.31465; 1000 Genomes Project 0.32388; 1000 Genomes Project 30x 0.32542.
gnomAD v4.1: 47,362 of 152,036 alleles (31%); highest among the groups gnomAD compares: East Asian, 43%; 7,760 homozygotes.

Submission:

GeneDx
Classification: Benign. Last evaluated: 2020-10-29. Review status: criteria provided, single submitter. Criteria: GeneDx Variant Classification Process June 2021. Collection method: clinical testing. Allele origin: germline. Affected: yes.
Comment: This variant is associated with the following publications: (PMID: 26345753, 25888547)